The following is an entry in ClinVar:

ClinVar aggregate classification (germline): Uncertain significance (1 of 4 stars; one submission).

Conditions:
Nemaline myopathy 2 (NEM2). Also called: Nemaline myopathy 2, autosomal recessive. Identifiers: MedGen C1850569, MONDO:0009725, OMIM 256030.

Allele frequency attached by ClinVar (database versions not stated): gnomAD exomes below 0.00001.
gnomAD v4.1: 1 of 1,613,252 alleles (0.000062%); highest among the groups gnomAD compares: Non-Finnish European, 0.000085%; no homozygotes.

Submission:

Labcorp Genetics (formerly Invitae), Labcorp
Classification: Uncertain significance for Nemaline myopathy 2. Last evaluated: 2021-05-27. Review status: criteria provided, single submitter. Criteria: Invitae Variant Classification Sherloc (09022015). Collection method: clinical testing. Allele origin: germline.
Comment: This sequence change replaces leucine with arginine at codon 6645 of the NEB protein (p.Leu6645Arg). The leucine residue is moderately conserved and there is a moderate physicochemical difference between leucine and arginine. This variant is not present in population databases (ExAC no frequency). This variant has not been reported in the literature in individuals with NEB-related conditions. Algorithms developed to predict the effect of missense changes on protein structure and function are either unavailable or do not agree on the potential impact of this missense change (SIFT: "Deleterious"; PolyPhen-2: "Not Available"; Align-GVGD: "Class C0"). In summary, the available evidence is currently insufficient to determine the role of this variant in disease. Therefore, it has been classified as a Variant of Uncertain Significance.

NM_001164508.2(NEB):c.19934T>G (p.Leu6645Arg)

Gene: NEB (nebulin; minus strand). Cytogenetic location: 2q23.3.
Variant type: single nucleotide variant.
Coding change: c.19934T>G on transcript NM_001164508.2 (MANE Select); coding-DNA position 19934, T replaced by G.
Protein change: p.Leu6645Arg; replaces leucine 6645 with arginine.
Molecular consequence: missense variant.
Genome position (GRCh38, 1-based): chr2:151,551,748, A>C on the plus strand (T>G on the coding strand, the complement: NEB is on the minus strand). VCF-style: chr2-151551748-A-C. GRCh37 (hg19) VCF-style: chr2-152408262-A-C.
Other names: c.19934T>G, p.Leu6645Arg (NM_001164507.2, NM_001271208.2); c.14831T>G, p.Leu4944Arg (NM_004543.5); short protein forms L4944R, L6645R.
Identifiers: ClinVar variation 1951701 (VCV001951701.2), dbSNP rs2552183817, ClinGen allele CA348787154.